The following is an entry in ClinVar:

NC_000017.10:g.(?_29422055)_(29422407_?)del

Gene: NF1 (neurofibromin 1; plus strand). Cytogenetic location: 17q11.2.
Variant type: Deletion.
Identifiers: ClinVar variation 2422744 (VCV002422744.3).

ClinVar aggregate classification (germline): Pathogenic (1 of 4 stars; one submission).

Conditions:
Neurofibromatosis, type 1 (NF1). Also called: Peripheral type neurofibromatosis; VON RECKLINGHAUSEN DISEASE; NEUROFIBROMATOSIS, TYPE I, SOMATIC; Neurofibromatosis, type I. Identifiers: Orphanet 636, MedGen C0027831, MONDO:0018975, OMIM 162200. Disease mechanism: loss of function.

Submission:

Labcorp Genetics (formerly Invitae), Labcorp
Classification: Pathogenic for Neurofibromatosis, type 1. Last evaluated: 2022-07-09. Review status: criteria provided, single submitter. Criteria: Invitae Variant Classification Sherloc (09022015). Collection method: clinical testing. Allele origin: germline.
Comment: This variant is a gross deletion of the genomic region encompassing exon(s) 1 of the NF1 gene, which includes the initiator codon. This deletion extends beyond the assayed region for this gene and therefore may encompass additional genes. It is expected to result in an absent or disrupted protein product. Loss-of-function variants in NF1 are known to be pathogenic (PMID: 10712197, 23913538). A similar copy number variant has been observed in individual(s) with neurofibromatosis type 1 (NF1) (PMID: 16283621). For these reasons, this variant has been classified as Pathogenic.

Literature cited by the submitters: PubMed 10712197; PubMed 23913538; PubMed 16283621.